The following is an entry in ClinVar:

NM_152419.3(HGSNAT):c.818A>T (p.Asn273Ile)

Gene: HGSNAT (heparan-alpha-glucosaminide N-acetyltransferase; plus strand). Cytogenetic location: 8p11.21.
Variant type: single nucleotide variant.
Coding change: c.818A>T on transcript NM_152419.3 (MANE Select); coding-DNA position 818, A replaced by T.
Protein change: p.Asn273Ile; replaces asparagine 273 with isoleucine.
Molecular consequence: missense variant. On other transcripts: 5 prime UTR variant (1).
Genome position (GRCh38, 1-based): chr8:43,172,384, A>T. VCF-style: chr8-43172384-A-T. GRCh37 (hg19) VCF-style: chr8-43027527-A-T.
Other names: c.818A>T, p.Asn273Ile (NM_001363227.2, NM_001363228.2); c.-16A>T (NM_001363229.2); short protein forms N273I.
Identifiers: ClinVar variation 2921769 (VCV002921769.3), dbSNP rs2486973322, ClinGen allele CA371116459.

ClinVar aggregate classification (germline): Likely pathogenic (1 of 4 stars; one submission).

Conditions:
Retinitis pigmentosa 73 (RP73). Identifiers: Orphanet 791, MedGen C4225287, MONDO:0014687, OMIM 616544.
Mucopolysaccharidosis, MPS-III-C (MPS3C). Also called: SANFILIPPO SYNDROME C; MPS III C; Mucopolysaccharidosis type IIIC (Sanfilippo C); MUCOPOLYSACCHARIDOSIS, TYPE IIIC; mucopolysaccharidosis type 3C; MPS IIIC (Sanfilippo Syndrome Type C). Identifiers: Orphanet 581, Orphanet 79271, MedGen C0086649, MONDO:0009657, OMIM 252930.

Submission:

Labcorp Genetics (formerly Invitae), Labcorp
Classification: Likely pathogenic for Retinitis pigmentosa 73; Mucopolysaccharidosis, MPS-III-C. Last evaluated: 2025-10-02. Review status: criteria provided, single submitter. Criteria: Invitae Variant Classification Sherloc (09022015). Collection method: clinical testing. Allele origin: germline.
Comment: This sequence change replaces asparagine, which is neutral and polar, with isoleucine, which is neutral and non-polar, at codon 273 of the HGSNAT protein (p.Asn273Ile). This variant is not present in population databases (gnomAD no frequency). This missense change has been observed in individual(s) with mucopolysaccharidosis type IIIC (PMID: 18024218). ClinVar contains an entry for this variant (Variation ID: 2921769). An algorithm developed to predict the effect of missense changes on protein structure and function (PolyPhen-2) suggests that this variant is likely to be disruptive. Experimental studies have shown that this missense change affects HGSNAT function (PMID: 19823584). In summary, the currently available evidence indicates that the variant is pathogenic, but additional data are needed to prove that conclusively. Therefore, this variant has been classified as Likely Pathogenic.

Literature cited by the submitters: PubMed 18024218; PubMed 19823584.